The following is an entry in ClinVar:

NM_002296.4(LBR):c.367-7A>T

Gene: LBR (lamin B receptor; minus strand). Cytogenetic location: 1q42.12.
Variant type: single nucleotide variant.
Coding change: c.367-7A>T on transcript NM_002296.4 (MANE Select); 7 bases into the intron before coding-DNA position 367, A replaced by T.
Molecular consequence: intron variant.
Genome position (GRCh38, 1-based): chr1:225,419,805, T>A on the plus strand (A>T on the coding strand, the complement: LBR is on the minus strand). VCF-style: chr1-225419805-T-A. GRCh37 (hg19) VCF-style: chr1-225607507-T-A.
Other names: c.367-7A>T (NM_194442.3).
Identifiers: ClinVar variation 737739 (VCV000737739.12), dbSNP rs144956313, ClinGen allele CA1417487.

ClinVar aggregate classification (germline): Benign/Likely benign. Review status: criteria provided, multiple submitters, no conflicts (2 of 4 stars). 2 submissions from 2 submitters: Benign (1); Likely benign (1). Last evaluated 2026-01-04.

Conditions:
Greenberg dysplasia (GRBGD). Also called: CHONDRODYSTROPHY, HYDROPIC AND PRENATALLY LETHAL TYPE; HEM SKELETAL DYSPLASIA; MOTH-EATEN SKELETAL DYSPLASIA. Identifiers: Orphanet 1426, MedGen C2931048, MONDO:0008974, OMIM 215140.

Allele frequency attached by ClinVar (database versions not stated): gnomAD exomes 0.00003 and 0.00027; gnomAD 0.00006 and 0.00008; TOPMed 0.00013; 1000 Genomes Project 0.00020; 1000 Genomes Project 30x 0.00031; ExAC 0.00031.
gnomAD v4.1: 51 of 1,571,308 alleles (0.0032%); highest among the groups gnomAD compares: East Asian, 0.11%; no homozygotes.

Submissions (2):

Labcorp Genetics (formerly Invitae), Labcorp
Classification: Benign. Last evaluated: 2026-01-04. Review status: criteria provided, single submitter. Criteria: Invitae Variant Classification Sherloc (09022015). Collection method: clinical testing. Allele origin: germline.

Illumina Laboratory Services, Illumina
Classification: Likely benign for Greenberg dysplasia. Last evaluated: 2018-01-12. Review status: criteria provided, single submitter. Criteria: ICSL Variant Classification Criteria 13 December 2019. Collection method: clinical testing. Allele origin: germline.
Comment: This variant was observed in the ICSL laboratory as part of a predisposition screen in an ostensibly healthy population. It had not been previously curated by ICSL or reported in the Human Gene Mutation Database (HGMD: prior to June 1st, 2018), and was therefore a candidate for classification through an automated scoring system. Utilizing variant allele frequency, disease prevalence and penetrance estimates, and inheritance mode, an automated score was calculated to assess if this variant is too frequent to cause the disease. Based on the score and internal cut-off values, a variant classified as likely benign is not then subjected to further curation. The score for this variant resulted in a classification of likely benign for this disease.